The following is an entry in ClinVar:

ClinVar aggregate classification (germline): Benign/Likely benign. Review status: criteria provided, multiple submitters, no conflicts (2 of 4 stars). 3 submissions from 3 submitters: Benign (1); Likely benign (1). 1 of the submissions does not count toward it. Last evaluated 2026-07-01.

Conditions:
PRKACA-related disorder. Also called: PRKACA-related condition.

Allele frequency attached by ClinVar (database versions not stated): gnomAD exomes 0.00390; 1000 Genomes Project 0.00020; 1000 Genomes Project 30x 0.00094; TOPMed 0.00190; gnomAD 0.00197.
gnomAD v4.1: 3,583 of 997,924 alleles (0.36%); highest among the groups gnomAD compares: Non-Finnish European, 0.4%; 11 homozygotes.

Submissions (3):

CeGaT Center for Human Genetics Tuebingen
Classification: Likely benign. Last evaluated: 2026-07-01. Review status: criteria provided, single submitter. Criteria: CeGaT Center For Human Genetics Tuebingen Variant Classification Criteria Version 2. Collection method: clinical testing. Allele origin: germline. Affected: yes. Observed: 3 variant alleles.
Comment: PRKACA: BS2

Laboratory of Genetics, Children's Clinical University Hospital Latvia
Classification: Benign. Last evaluated: 2025-02-16. Review status: criteria provided, single submitter. Criteria: ACMG Guidelines, 2015. Collection method: clinical testing. Allele origin: germline. Affected: yes.

PreventionGenetics, part of Exact Sciences
Classification: Likely benign for PRKACA-related condition. Last evaluated: 2019-05-20. Review status: no assertion criteria provided. Collection method: clinical testing. Allele origin: germline. Not counted in ClinVar's aggregate classification.
Comment: This variant is classified as likely benign based on ACMG/AMP sequence variant interpretation guidelines (Richards et al. 2015 PMID: 25741868, with internal and published modifications).

NM_002730.4(PRKACA):c.47-418C>T

Gene: PRKACA (protein kinase cAMP-activated catalytic subunit alpha; minus strand). Cytogenetic location: 19p13.12.
Variant type: single nucleotide variant.
Coding change: c.47-418C>T on transcript NM_002730.4 (MANE Select); 418 bases into the intron before coding-DNA position 47, C replaced by T.
Molecular consequence: intron variant. On other transcripts: missense variant (1).
Genome position (GRCh38, 1-based): chr19:14,107,827, G>A on the plus strand (C>T on the coding strand, the complement: PRKACA is on the minus strand). VCF-style: chr19-14107827-G-A. GRCh37 (hg19) VCF-style: chr19-14218639-G-A.
Other names: c.158C>T, p.Pro53Leu (NM_001304349.2); c.23-418C>T (NM_207518.3); short protein forms P53L.
Identifiers: ClinVar variation 3038933 (VCV003038933.9), dbSNP rs41296252, ClinGen allele CA305615710.